The following is an entry in ClinVar:

NM_018124.4(RFWD3):c.763A>T (p.Ile255Phe)

Gene: RFWD3 (ring finger and WD repeat domain 3; minus strand). Cytogenetic location: 16q23.1.
Variant type: single nucleotide variant.
Coding change: c.763A>T on transcript NM_018124.4 (MANE Select); coding-DNA position 763, A replaced by T.
Protein change: p.Ile255Phe; replaces isoleucine 255 with phenylalanine.
Molecular consequence: missense variant. On other transcripts: 5 prime UTR variant (3), intron variant (2).
Genome position (GRCh38, 1-based): chr16:74,649,161, T>A on the plus strand (A>T on the coding strand, the complement: RFWD3 is on the minus strand). VCF-style: chr16-74649161-T-A. GRCh37 (hg19) VCF-style: chr16-74683059-T-A.
Other names: c.763A>T, p.Ile255Phe (NM_001370536.1, NM_001370534.1, NM_001370535.1); c.-246A>T (NM_001370537.1); c.-72A>T (NM_001370539.1, NM_001370540.1, NM_001370541.1); c.-43+2759A>T (NM_001370543.1); c.-164-83A>T (NM_001370542.1); short protein forms I255F.
Identifiers: ClinVar variation 2786736 (VCV002786736.3), dbSNP rs751527081, ClinGen allele CA396763205.

ClinVar aggregate classification (germline): Uncertain significance (1 of 4 stars; one submission).

gnomAD v4.1: 5 of 1,571,230 alleles (0.00032%); highest among the groups gnomAD compares: African/African-American, 0.0056%; no homozygotes.

Submission:

Labcorp Genetics (formerly Invitae), Labcorp
Classification: Uncertain significance. Last evaluated: 2026-01-21. Review status: criteria provided, single submitter. Criteria: Invitae Variant Classification Sherloc (09022015). Collection method: clinical testing. Allele origin: germline.
Comment: This sequence change replaces isoleucine, which is neutral and non-polar, with phenylalanine, which is neutral and non-polar, at codon 255 of the RFWD3 protein (p.Ile255Phe). This variant is not present in population databases (gnomAD no frequency). This variant has not been reported in the literature in individuals affected with RFWD3-related conditions. ClinVar contains an entry for this variant (Variation ID: 2786736). An algorithm developed to predict the effect of missense changes on protein structure and function (PolyPhen-2) suggests that this variant is likely to be tolerated. In summary, the available evidence is currently insufficient to determine the role of this variant in disease. Therefore, it has been classified as a Variant of Uncertain Significance.